The following is an entry in ClinVar:

ClinVar aggregate classification (germline): Uncertain significance (1 of 4 stars; one submission).

Allele frequency attached by ClinVar (database versions not stated): gnomAD exomes below 0.00001.

Submission:

Labcorp Genetics (formerly Invitae), Labcorp
Classification: Uncertain significance. Last evaluated: 2021-08-28. Review status: criteria provided, single submitter. Criteria: Invitae Variant Classification Sherloc (09022015). Collection method: clinical testing. Allele origin: germline.
Comment: This sequence change replaces alanine with threonine at codon 186 of the EDN3 protein (p.Ala186Thr). The alanine residue is moderately conserved and there is a small physicochemical difference between alanine and threonine. This variant is not present in population databases (ExAC no frequency). This variant has not been reported in the literature in individuals affected with EDN3-related conditions. Algorithms developed to predict the effect of missense changes on protein structure and function output the following: SIFT: "Tolerated"; PolyPhen-2: "Benign"; Align-GVGD: "Class C0". The threonine amino acid residue is found in multiple mammalian species, which suggests that this missense change does not adversely affect protein function. In summary, the available evidence is currently insufficient to determine the role of this variant in disease. Therefore, it has been classified as a Variant of Uncertain Significance.

NM_207034.3(EDN3):c.556G>A (p.Ala186Thr)

Gene: EDN3 (endothelin 3; plus strand). Cytogenetic location: 20q13.32.
Variant type: single nucleotide variant.
Coding change: c.556G>A on transcript NM_207034.3 (MANE Select); coding-DNA position 556, G replaced by A.
Protein change: p.Ala186Thr; replaces alanine 186 with threonine.
Molecular consequence: missense variant. On other transcripts: intron variant (2).
Genome position (GRCh38, 1-based): chr20:59,322,385, G>A. VCF-style: chr20-59322385-G-A. GRCh37 (hg19) VCF-style: chr20-57897440-G-A.
Other names: c.556G>A, p.Ala186Thr (NM_001302455.2, NM_207032.3); c.542+1192G>A (NM_207033.3, NM_001302456.2); short protein forms A186T.
Identifiers: ClinVar variation 1471644 (VCV001471644.6), dbSNP rs929610804, ClinGen allele CA409708661.